The following is an entry in ClinVar:

ClinVar aggregate classification (germline): Uncertain significance. Review status: criteria provided, multiple submitters, no conflicts (2 of 4 stars). 3 submissions from 3 submitters: Uncertain significance (3). Last evaluated 2025-10-13.

Conditions:
Hereditary cancer-predisposing syndrome. Also called: Hereditary neoplastic syndrome; Neoplastic Syndromes, Hereditary; Tumor predisposition; Hereditary Cancer Syndrome. Identifiers: Orphanet 140162, MedGen C0027672, MeSH D009386, MONDO:0015356.
Hereditary breast ovarian cancer syndrome. Also called: Hereditary breast and/or ovarian cancer syndrome; Hereditary breast and ovarian cancer syndrome; Hereditary breast and ovarian cancer syndrome (HBOC); Breast and ovarian cancer; BRCA1- and BRCA2-Associated Hereditary Breast and Ovarian Cancer; Hereditary breast and ovarian cancer. Identifiers: Orphanet 145, MedGen C0677776, MeSH D061325, MONDO:0003582. Disease mechanism: loss of function.

gnomAD v4.1: 3 of 1,563,730 alleles (0.00019%); highest among the groups gnomAD compares: Non-Finnish European, 0.00026%; no homozygotes.

Submissions (3):

Color Diagnostics, LLC DBA Color Health
Classification: Uncertain significance for Hereditary cancer-predisposing syndrome. Last evaluated: 2025-10-13. Review status: criteria provided, single submitter. Criteria: ACMG Guidelines, 2015. Collection method: clinical testing. Allele origin: germline.
Comment: This missense variant replaces threonine with isoleucine at codon 2310 of the BRCA2 protein. Computational prediction suggests that this variant may not impact protein structure and function. To our knowledge, functional studies have not been reported for this variant. This variant has not been reported in individuals affected with BRCA2-related disorders in the literature. This variant has been identified in 3/1411596 chromosomes in the general population by the Genome Aggregation Database (gnomAD). The available evidence is insufficient to determine the role of this variant in disease conclusively. Therefore, this variant is classified as a Variant of Uncertain Significance.

Labcorp Genetics (formerly Invitae), Labcorp
Classification: Uncertain significance for Hereditary breast ovarian cancer syndrome. Last evaluated: 2025-07-19. Review status: criteria provided, single submitter. Criteria: Invitae Variant Classification Sherloc (09022015). Collection method: clinical testing. Allele origin: germline.
Comment: This sequence change replaces threonine, which is neutral and polar, with isoleucine, which is neutral and non-polar, at codon 2310 of the BRCA2 protein (p.Thr2310Ile). This variant is not present in population databases (gnomAD no frequency). This variant has not been reported in the literature in individuals affected with BRCA2-related conditions. ClinVar contains an entry for this variant (Variation ID: 1003413). Invitae Evidence Modeling of protein sequence and biophysical properties (such as structural, functional, and spatial information, amino acid conservation, physicochemical variation, residue mobility, and thermodynamic stability) indicates that this missense variant is not expected to disrupt BRCA2 protein function with a negative predictive value of 95%. In summary, the available evidence is currently insufficient to determine the role of this variant in disease. Therefore, it has been classified as a Variant of Uncertain Significance.

Ambry Genetics
Classification: Uncertain significance for Hereditary cancer-predisposing syndrome. Last evaluated: 2024-03-05. Review status: criteria provided, single submitter. Criteria: Ambry Variant Classification Scheme 2023. Collection method: clinical testing. Allele origin: germline.
Comment: The p.T2310I variant (also known as c.6929C>T), located in coding exon 11 of the BRCA2 gene, results from a C to T substitution at nucleotide position 6929. The threonine at codon 2310 is replaced by isoleucine, an amino acid with similar properties. This amino acid position is well conserved in available vertebrate species. In addition, the in silico prediction for this alteration is inconclusive. Based on the available evidence, the clinical significance of this alteration remains unclear.

NM_000059.4(BRCA2):c.6929C>T (p.Thr2310Ile)

Gene: BRCA2 (BRCA2 DNA repair associated; plus strand). Cytogenetic location: 13q13.1.
Variant type: single nucleotide variant.
Coding change: c.6929C>T on transcript NM_000059.4 (MANE Select); coding-DNA position 6929, C replaced by T.
Protein change: p.Thr2310Ile; replaces threonine 2310 with isoleucine.
Molecular consequence: missense variant.
Genome position (GRCh38, 1-based): chr13:32,344,645, C>T. VCF-style: chr13-32344645-C-T. GRCh37 (hg19) VCF-style: chr13-32918782-C-T.
Other names: short protein forms T2310I.
Identifiers: ClinVar variation 1003413 (VCV001003413.11), dbSNP rs276174886, ClinGen allele CA387792944.